The following is an entry in ClinVar:

ClinVar aggregate classification (germline): Likely benign. Review status: criteria provided, multiple submitters, no conflicts (2 of 4 stars). 5 submissions from 5 submitters: Likely benign (4). 1 of the submissions does not count toward it. Last evaluated 2024-07-02.

Conditions:
Wilson disease (WND). Also called: Wilson's disease. Identifiers: Orphanet 905, MedGen C0019202, MONDO:0010200, OMIM 277900. Disease mechanism: loss of function.

Allele frequency attached by ClinVar (database versions not stated): gnomAD exomes below 0.00001; TOPMed below 0.00001; gnomAD 0.00001.
gnomAD v4.1: 6 of 1,614,012 alleles (0.00037%); highest among the groups gnomAD compares: Non-Finnish European, 0.00051%; no homozygotes.

Submissions (5):

Labcorp Genetics (formerly Invitae), Labcorp
Classification: Likely benign for Wilson disease. Last evaluated: 2024-07-02. Review status: criteria provided, single submitter. Criteria: Invitae Variant Classification Sherloc (09022015). Collection method: clinical testing. Allele origin: germline.

All of Us Research Program, National Institutes of Health
Classification: Likely benign for Wilson disease. Last evaluated: 2023-10-02. Review status: criteria provided, single submitter. Criteria: ACMG Guidelines, 2015. Collection method: clinical testing. Allele origin: germline. Inheritance: Autosomal recessive inheritance. Observed: 2 variant alleles, 2 heterozygotes.
Comment: This study involves interpretation of variants in research participants for the purpose of population health screening. Participant phenotype was not available at the time of variant classification. Additional details can be found in publication PMID: 35346344, PMCID: PMC8962531

Color Diagnostics, LLC DBA Color Health
Classification: Likely benign for Wilson disease. Last evaluated: 2023-08-31. Review status: criteria provided, single submitter. Criteria: ACMG Guidelines, 2015. Collection method: clinical testing. Allele origin: germline.

GeneDx
Classification: Likely benign. Last evaluated: 2018-06-20. Review status: criteria provided, single submitter. Criteria: GeneDx Variant Classification (06012015). Collection method: clinical testing. Allele origin: germline. Affected: yes.
Comment: This variant is considered likely benign or benign based on one or more of the following criteria: it is a conservative change, it occurs at a poorly conserved position in the protein, it is predicted to be benign by multiple in silico algorithms, and/or has population frequency not consistent with disease.

Natera, Inc.
Classification: Uncertain significance for Wilson disease. Last evaluated: 2020-03-11. Review status: no assertion criteria provided. Collection method: clinical testing. Allele origin: germline. Not counted in ClinVar's aggregate classification.

NM_000053.4(ATP7B):c.3123G>C (p.Arg1041=)

Gene: ATP7B (ATPase copper transporting beta; minus strand). Cytogenetic location: 13q14.3.
Variant type: single nucleotide variant.
Coding change: c.3123G>C on transcript NM_000053.4 (MANE Select); coding-DNA position 3123, G replaced by C.
Protein change: p.Arg1041=; no amino-acid change (arginine 1041 retained).
Molecular consequence: synonymous variant.
Genome position (GRCh38, 1-based): chr13:51,944,229, C>G on the plus strand (G>C on the coding strand, the complement: ATP7B is on the minus strand). VCF-style: chr13-51944229-C-G. GRCh37 (hg19) VCF-style: chr13-52518365-C-G.
Other names: c.2502G>C, p.Arg834= (NM_001005918.3); c.2790G>C, p.Arg930= (NM_001243182.2); c.2889G>C, p.Arg963= (NM_001330578.2); c.2871G>C, p.Arg957= (NM_001330579.2).
Identifiers: ClinVar variation 671656 (VCV000671656.14), dbSNP rs1192564410, ClinGen allele CA483894735.
Genomic context (GRCh38, chr13:51,944,229, plus strand): 5'-CCCCACCACAGCCAGAACCTTCCTGAGGGGCAGTGTGGCCACATCCCCCAGCAGGAGCAC[C>G]CGCATGACCCTGGGGACGCCATGGGTAATGGTGCCAGTCTTGTCAAACATCACAGTCTTT-3'
Protein context (NP_000044.2, residues 1031-1051): TITHGVPRVM[Arg1041=]VLLLGDVATL